The following is an entry in ClinVar:

NM_018669.6(WDR4):c.1191C>A (p.Asp397Glu)

Gene: WDR4 (WDR4 tRNA N7-guanosine methyltransferase non-catalytic subunit; minus strand). Cytogenetic location: 21q22.3.
Variant type: single nucleotide variant.
Coding change: c.1191C>A on transcript NM_018669.6 (MANE Select); coding-DNA position 1191, C replaced by A.
Protein change: p.Asp397Glu; replaces aspartic acid 397 with glutamic acid.
Molecular consequence: missense variant. On other transcripts: non-coding transcript variant (1).
Genome position (GRCh38, 1-based): chr21:42,850,097, G>T on the plus strand (C>A on the coding strand, the complement: WDR4 is on the minus strand). VCF-style: chr21-42850097-G-T. GRCh37 (hg19) VCF-style: chr21-44270207-G-T.
Other names: c.1188C>A, p.Asp396Glu (NM_001260474.2); c.753C>A, p.Asp251Glu (NM_001260475.2, NM_001260476.2, NM_001260477.2 and 1 more transcripts); c.1191C>A, p.Asp397Glu (NM_033661.5); c.1191C>A (NM_018669.4); short protein forms D251E, D396E, D397E.
Identifiers: ClinVar variation 2402184 (VCV002402184.9), dbSNP rs746458511, ClinGen allele CA10045754.
Genomic context (GRCh38, chr21:42,850,097, plus strand): 5'-TGACCGCCACGATCAGCAACTTAGCGTCGCCTCCCCCGGTCTCATCTTCTTGGCATGCCC[G>T]TCGGGCCCAGGCGGGGGACTCCGGCGCCGCTGCTTCTTCTCTAGCTGCTGCTGCAGTCTC-3'
Protein context (NP_061139.2, residues 387-407): QRRRSPPPGP[Asp397Glu]GHAKKMRPGE

ClinVar aggregate classification (germline): Uncertain significance. Review status: criteria provided, multiple submitters, no conflicts (2 of 4 stars). 2 submissions from 2 submitters: Uncertain significance (2). Last evaluated 2025-08-28.

Conditions:
Inborn genetic diseases. Identifiers: MedGen C0950123, MeSH D030342.

gnomAD v4.1: 78 of 1,613,920 alleles (0.0048%); highest among the groups gnomAD compares: South Asian, 0.064%; 1 homozygote.

Submissions (2):

Ambry Genetics
Classification: Uncertain significance for Inborn genetic diseases. Last evaluated: 2025-08-28. Review status: criteria provided, single submitter. Criteria: Ambry Variant Classification Scheme 2023. Collection method: clinical testing. Allele origin: germline.

Labcorp Genetics (formerly Invitae), Labcorp
Classification: Uncertain significance. Last evaluated: 2022-08-22. Review status: criteria provided, single submitter. Criteria: Invitae Variant Classification Sherloc (09022015). Collection method: clinical testing. Allele origin: germline.
Comment: In summary, the available evidence is currently insufficient to determine the role of this variant in disease. Therefore, it has been classified as a Variant of Uncertain Significance. Algorithms developed to predict the effect of missense changes on protein structure and function (SIFT, PolyPhen-2, Align-GVGD) all suggest that this variant is likely to be tolerated. This variant has not been reported in the literature in individuals affected with WDR4-related conditions. This variant is present in population databases (rs746458511, gnomAD 0.06%). This sequence change replaces aspartic acid, which is acidic and polar, with glutamic acid, which is acidic and polar, at codon 397 of the WDR4 protein (p.Asp397Glu).